The following is an entry in ClinVar:

ClinVar aggregate classification (germline): Uncertain significance (1 of 4 stars; one submission).

Submission:

CeGaT Center for Human Genetics Tuebingen
Classification: Uncertain significance. Last evaluated: 2025-04-01. Review status: criteria provided, single submitter. Criteria: CeGaT Center For Human Genetics Tuebingen Variant Classification Criteria Version 2. Collection method: clinical testing. Allele origin: germline. Affected: yes. Observed: 1 variant allele.
Comment: CHD5: PM2, PP2, PP3

NM_015557.3(CHD5):c.550A>G (p.Met184Val)

Gene: CHD5 (chromodomain helicase DNA binding protein 5; minus strand). Cytogenetic location: 1p36.31.
Variant type: single nucleotide variant.
Coding change: c.550A>G on transcript NM_015557.3 (MANE Select); coding-DNA position 550, A replaced by G.
Protein change: p.Met184Val; replaces methionine 184 with valine.
Molecular consequence: missense variant.
Genome position (GRCh38, 1-based): chr1:6,154,855, T>C on the plus strand (A>G on the coding strand, the complement: CHD5 is on the minus strand). VCF-style: chr1-6154855-T-C. GRCh37 (hg19) VCF-style: chr1-6214915-T-C.
Other names: short protein forms M184V.
Identifiers: ClinVar variation 3898638 (VCV003898638.7).